The following is an entry in ClinVar:

NM_001376.5(DYNC1H1):c.4106A>G (p.Gln1369Arg)

Gene: DYNC1H1 (dynein cytoplasmic 1 heavy chain 1; plus strand). Cytogenetic location: 14q32.31.
Variant type: single nucleotide variant.
Coding change: c.4106A>G on transcript NM_001376.5 (MANE Select); coding-DNA position 4106, A replaced by G.
Protein change: p.Gln1369Arg; replaces glutamine 1369 with arginine.
Molecular consequence: missense variant.
Genome position (GRCh38, 1-based): chr14:102,000,985, A>G. VCF-style: chr14-102000985-A-G. GRCh37 (hg19) VCF-style: chr14-102467322-A-G.
Other names: short protein forms Q1369R.
Identifiers: ClinVar variation 1192510 (VCV001192510.4), dbSNP rs2141285787, ClinGen allele CA391039635.

ClinVar aggregate classification (germline): Uncertain significance (0 of 4 stars; one submission).

Conditions:
Amyotrophic lateral sclerosis (ALS). Also called: Lou Gehrig disease; Charcot disease. Identifiers: Orphanet 803, MedGen C0002736, MONDO:0004976, HP:0007354.

Submission:

University Research Institute for the Study of Genetic and Malignant Disorders in Childhood, National and Kapodistrian University of Athens
Classification: Uncertain significance for Amyotrophic lateral sclerosis. Last evaluated: 2021-08-07. Review status: no assertion criteria provided. Collection method: clinical testing. Allele origin: unknown. Inheritance: Autosomal dominant inheritance. Affected: yes. Observed: 1 variant allele, 1 heterozygote.
Comment: The variant was absent from large population studies of genetic variation (e.g. ExAc). The variant had CADD score of 22.1 and was highly conserved according to several evolutionary conservation scores. DYNC1H1 is implicated in other types of motor neuron disease (e.g., spinal muscular atrophy) in a dominant manner. In summary, the Gln1369Arg variant in DYNC1H1 meets our criteria to be classified as variant of uncertain significance based upon presence in affected individual, absence from unaffected population, and predicted functional impact on the protein function.